The following is an entry in ClinVar:

ClinVar aggregate classification (germline): Likely benign (1 of 4 stars; one submission).

Allele frequency attached by ClinVar (database versions not stated): 1000 Genomes Project 30x 0.00078; 1000 Genomes Project 0.00100.
gnomAD v4.1: 103 of 1,614,190 alleles (0.0064%); highest among the groups gnomAD compares: Middle Eastern, 0.13%; 1 homozygote.

Submission:

CeGaT Center for Human Genetics Tuebingen
Classification: Likely benign. Last evaluated: 2023-03-01. Review status: criteria provided, single submitter. Criteria: CeGaT Center For Human Genetics Tuebingen Variant Classification Criteria Version 2. Collection method: clinical testing. Allele origin: germline. Affected: yes. Observed: 2 variant alleles.
Comment: LRRFIP1: BP4, BP7

NM_001137550.2(LRRFIP1):c.1459+3611A>C

Gene: LRRFIP1 (LRR binding FLII interacting protein 1; plus strand). Cytogenetic location: 2q37.3.
Variant type: single nucleotide variant.
Coding change: c.1459+3611A>C on transcript NM_001137550.2 (MANE Select); 3611 bases into the intron after coding-DNA position 1459, A replaced by C.
Molecular consequence: intron variant. On other transcripts: synonymous variant (3).
Genome position (GRCh38, 1-based): chr2:237,763,816, A>C. VCF-style: chr2-237763816-A-C. GRCh37 (hg19) VCF-style: chr2-238672459-A-C.
Other names: c.2103A>C, p.Ala701= (NM_001137552.2); c.1935A>C, p.Ala645= (NM_001137553.2); c.2031A>C, p.Ala677= (NM_004735.4); c.721+3611A>C (NM_001137551.2).
Identifiers: ClinVar variation 2652057 (VCV002652057.24), dbSNP rs200137214, ClinGen allele CA2192278.